The following is an entry in ClinVar:

ClinVar aggregate classification (germline): Pathogenic (1 of 4 stars; one submission).

Conditions:
Dyskeratosis congenita. Identifiers: Orphanet 1775, MedGen C0265965, MONDO:0015780.

Submission:

Labcorp Genetics (formerly Invitae), Labcorp
Classification: Pathogenic for Dyskeratosis congenita. Last evaluated: 2022-08-31. Review status: criteria provided, single submitter. Criteria: Invitae Variant Classification Sherloc (09022015). Collection method: clinical testing. Allele origin: germline.
Comment: For these reasons, this variant has been classified as Pathogenic. This sequence change creates a premature translational stop signal (p.Trp271*) in the CTC1 gene. It is expected to result in an absent or disrupted protein product. Loss-of-function variants in CTC1 are known to be pathogenic (PMID: 22267198, 22387016). This variant is not present in population databases (gnomAD no frequency). This variant has not been reported in the literature in individuals affected with CTC1-related conditions. ClinVar contains an entry for this variant (Variation ID: 1397961).

Literature cited by the submitters: PubMed 22267198; PubMed 22387016.

NM_025099.6(CTC1):c.812G>A (p.Trp271Ter)

Gene: CTC1 (CST telomere replication complex component 1; minus strand). Cytogenetic location: 17p13.1.
Variant type: single nucleotide variant.
Coding change: c.812G>A on transcript NM_025099.6 (MANE Select); coding-DNA position 812, G replaced by A.
Protein change: p.Trp271Ter; replaces tryptophan 271 with a stop codon.
Molecular consequence: nonsense. On other transcripts: non-coding transcript variant (1).
Genome position (GRCh38, 1-based): chr17:8,236,323, C>T on the plus strand (G>A on the coding strand, the complement: CTC1 is on the minus strand). VCF-style: chr17-8236323-C-T. GRCh37 (hg19) VCF-style: chr17-8139641-C-T.
Other names: short protein forms W271*.
Identifiers: ClinVar variation 1397961 (VCV001397961.6), dbSNP rs2151524168, ClinGen allele CA397989146.